The following is an entry in ClinVar:

ClinVar aggregate classification (germline): Benign/Likely benign. Review status: criteria provided, multiple submitters, no conflicts (2 of 4 stars). 4 submissions from 4 submitters: Benign (1); Likely benign (3). Last evaluated 2024-07-26.

Conditions:
Familial cancer of breast. Also called: Hereditary breast cancer; BREAST CANCER, FAMILIAL; hereditary breast carcinoma. Identifiers: Orphanet 227535, MedGen C0346153, MONDO:0016419, OMIM 114480. Disease mechanism: loss of function.
Hereditary cancer-predisposing syndrome. Also called: Hereditary Cancer Syndrome; Neoplastic Syndromes, Hereditary; Tumor predisposition; Hereditary neoplastic syndrome. Identifiers: Orphanet 140162, MedGen C0027672, MeSH D009386, MONDO:0015356.

Submissions (4):

Myriad Genetics, Inc.
Classification: Benign for Familial cancer of breast. Last evaluated: 2024-07-26. Review status: criteria provided, single submitter. Criteria: Myriad Autosomal Dominant, Autosomal Recessive and X-Linked Classification Criteria (2023). Collection method: clinical testing. Allele origin: unknown.
Comment: This variant is considered benign. This variant is a silent/synonymous amino acid change and it is not expected to impact splicing.

Labcorp Genetics (formerly Invitae), Labcorp
Classification: Likely benign for Familial cancer of breast. Last evaluated: 2022-05-18. Review status: criteria provided, single submitter. Criteria: Invitae Variant Classification Sherloc (09022015). Collection method: clinical testing. Allele origin: germline.

Ambry Genetics
Classification: Likely benign for Hereditary cancer-predisposing syndrome. Last evaluated: 2020-05-09. Review status: criteria provided, single submitter. Criteria: Ambry Variant Classification Scheme 2023. Collection method: clinical testing. Allele origin: germline.

Color Diagnostics, LLC DBA Color Health
Classification: Likely benign for Hereditary cancer-predisposing syndrome. Last evaluated: 2017-07-28. Review status: criteria provided, single submitter. Criteria: ACMG Guidelines, 2015. Collection method: clinical testing. Allele origin: germline.

NM_000465.4(BARD1):c.1713A>G (p.Val571=)

Gene: BARD1 (BRCA1 associated RING domain 1; minus strand). Cytogenetic location: 2q35.
Variant type: single nucleotide variant.
Coding change: c.1713A>G on transcript NM_000465.4 (MANE Select); coding-DNA position 1713, A replaced by G.
Protein change: p.Val571=; no amino-acid change (valine 571 retained).
Molecular consequence: synonymous variant. On other transcripts: non-coding transcript variant (3), intron variant (1).
Genome position (GRCh38, 1-based): chr2:214,745,819, T>C on the plus strand (A>G on the coding strand, the complement: BARD1 is on the minus strand). VCF-style: chr2-214745819-T-C. GRCh37 (hg19) VCF-style: chr2-215610543-T-C.
Other names: c.1656A>G, p.Val552= (NM_001282543.2); c.360A>G, p.Val120= (NM_001282545.2); c.303A>G, p.Val101= (NM_001282548.2); c.365-15311A>G (NM_001282549.2).
Identifiers: ClinVar variation 490946 (VCV000490946.11), dbSNP rs1553615162, ClinGen allele CA431145961.